The following is an entry in ClinVar:

NM_000075.4(CDK4):c.647G>C (p.Gly216Ala)

Genes: CDK4 (cyclin dependent kinase 4; minus strand), TSPAN31 (tetraspanin 31; plus strand). Cytogenetic location: 12q14.1.
Variant type: single nucleotide variant.
Coding change: c.647G>C on transcript NM_000075.4 (MANE Select); coding-DNA position 647, G replaced by C.
Protein change: p.Gly216Ala; replaces glycine 216 with alanine.
Molecular consequence: missense variant. On other transcripts: 3 prime UTR variant (3).
Genome position (GRCh38, 1-based): chr12:57,749,490, C>G on the plus strand (G>C on the coding strand, the complement: CDK4 is on the minus strand). VCF-style: chr12-57749490-C-G. GRCh37 (hg19) VCF-style: chr12-58143273-C-G.
Other names: c.*2200C>G (NM_001330168.2, NM_001330169.2, NM_005981.5); short protein forms G216A.
Identifiers: ClinVar variation 955910 (VCV000955910.6), dbSNP rs1955206366, ClinGen allele CA385544181.

ClinVar aggregate classification (germline): Uncertain significance. Review status: criteria provided, multiple submitters, no conflicts (2 of 4 stars). 2 submissions from 2 submitters: Uncertain significance (2). Last evaluated 2025-03-04.

Conditions:
Familial melanoma. Also called: Hereditary melanoma; Hereditary cutaneous melanoma. Identifiers: Orphanet 618, MedGen C1512419, MONDO:0018961.

Submissions (2):

Center for Genomic Medicine, Rigshospitalet, Copenhagen University Hospital
Classification: Uncertain significance. Last evaluated: 2025-03-04. Review status: criteria provided, single submitter. Criteria: ACMG Guidelines, 2015. Collection method: clinical testing. Allele origin: germline.

Labcorp Genetics (formerly Invitae), Labcorp
Classification: Uncertain significance for Familial melanoma. Last evaluated: 2023-09-14. Review status: criteria provided, single submitter. Criteria: Invitae Variant Classification Sherloc (09022015). Collection method: clinical testing. Allele origin: germline.
Comment: This sequence change replaces glycine, which is neutral and non-polar, with alanine, which is neutral and non-polar, at codon 216 of the CDK4 protein (p.Gly216Ala). This variant is not present in population databases (gnomAD no frequency). This variant has not been reported in the literature in individuals affected with CDK4-related conditions. ClinVar contains an entry for this variant (Variation ID: 955910). Advanced modeling of protein sequence and biophysical properties (such as structural, functional, and spatial information, amino acid conservation, physicochemical variation, residue mobility, and thermodynamic stability) performed at Invitae indicates that this missense variant is expected to disrupt CDK4 protein function. In summary, the available evidence is currently insufficient to determine the role of this variant in disease. Therefore, it has been classified as a Variant of Uncertain Significance.